The following is an entry in ClinVar:

NM_001356.5(DDX3X):c.*165_*169del

Gene: DDX3X (DEAD-box helicase 3 X-linked; plus strand). Cytogenetic location: Xp11.4.
Variant type: Deletion.
Coding change: c.*165_*169del on transcript NM_001356.5 (MANE Select); 165 bases downstream of the stop codon through 169 bases downstream of the stop codon, 5 bases deleted (TGAAA; older notation c.*165_*169delTGAAA).
Molecular consequence: 3 prime UTR variant. On other transcripts: non-coding transcript variant (1).
Genome position (GRCh38, 1-based): chrX:41,347,884-41,347,888, TGAAA deleted; deleting any 5 consecutive bases within chrX:41,347,880-41,347,888 gives the same sequence; the c. name uses the placement nearest the transcript's 3' end. VCF-style (leftmost placement, unchanged base first): chrX-41347879-AGAAAT-A. GRCh37 (hg19) VCF-style: chrX-41207132-AGAAAT-A.
Other names: c.*165_*169del (NM_001193416.3, NM_001193417.3, NM_001363819.1).
Identifiers: ClinVar variation 2660344 (VCV002660344.24), dbSNP rs1259101086, ClinGen allele CA875370962.

ClinVar aggregate classification (germline): Likely benign (1 of 4 stars; one submission).

Submission:

CeGaT Center for Human Genetics Tuebingen
Classification: Likely benign. Last evaluated: 2023-01-01. Review status: criteria provided, single submitter. Criteria: CeGaT Center For Human Genetics Tuebingen Variant Classification Criteria Version 2. Collection method: clinical testing. Allele origin: germline. Affected: yes. Observed: 1 variant allele.
Comment: DDX3X: BS2